The following is an entry in ClinVar:

ClinVar aggregate classification (germline): Uncertain significance (1 of 4 stars; one submission).

Allele frequency attached by ClinVar (database versions not stated): gnomAD 0.00002.

Submission:

Labcorp Genetics (formerly Invitae), Labcorp
Classification: Uncertain significance. Last evaluated: 2025-04-07. Review status: criteria provided, single submitter. Criteria: Invitae Variant Classification Sherloc (09022015). Collection method: clinical testing. Allele origin: germline.
Comment: This sequence change replaces valine, which is neutral and non-polar, with methionine, which is neutral and non-polar, at codon 1051 of the AMER1 protein (p.Val1051Met). This variant is not present in population databases (gnomAD no frequency). This variant has not been reported in the literature in individuals affected with AMER1-related conditions. ClinVar contains an entry for this variant (Variation ID: 2890710). An algorithm developed to predict the effect of missense changes on protein structure and function outputs the following: PolyPhen-2: "Benign". The methionine amino acid residue is found in multiple mammalian species, which suggests that this missense change does not adversely affect protein function. In summary, the available evidence is currently insufficient to determine the role of this variant in disease. Therefore, it has been classified as a Variant of Uncertain Significance.

NM_152424.4(AMER1):c.3151G>A (p.Val1051Met)

Gene: AMER1 (APC membrane recruitment protein 1; minus strand). Cytogenetic location: Xq11.2.
Variant type: single nucleotide variant.
Coding change: c.3151G>A on transcript NM_152424.4 (MANE Select); coding-DNA position 3151, G replaced by A.
Protein change: p.Val1051Met; replaces valine 1051 with methionine.
Molecular consequence: missense variant.
Genome position (GRCh38, 1-based): chrX:64,190,136, C>T on the plus strand (G>A on the coding strand, the complement: AMER1 is on the minus strand). VCF-style: chrX-64190136-C-T. GRCh37 (hg19) VCF-style: chrX-63410016-C-T.
Other names: short protein forms V1051M.
Identifiers: ClinVar variation 2890710 (VCV002890710.3), dbSNP rs751054920, ClinGen allele CA413301413.